The following is an entry in ClinVar:

NM_006231.4(POLE):c.1772del (p.Glu591fs)

Gene: POLE (DNA polymerase epsilon, catalytic subunit; minus strand). Cytogenetic location: 12q24.33.
Variant type: Deletion.
Coding change: c.1772del on transcript NM_006231.4 (MANE Select); coding-DNA position 1772, one base deleted (A; older notation c.1772delA).
Protein change: p.Glu591fs; shifts the reading frame from glutamic acid 591.
Molecular consequence: frameshift variant.
Genome position (GRCh38, 1-based): chr12:132,672,237, T deleted on the plus strand (A on the coding strand, the reverse complement: POLE is on the minus strand). VCF-style (leftmost placement, unchanged base first): chr12-132672236-CT-C. GRCh37 (hg19) VCF-style: chr12-133248822-CT-C.
Other names: short protein forms E591fs.
Identifiers: ClinVar variation 2816361 (VCV002816361.3), dbSNP rs2542127860, ClinGen allele CA2739277380.

ClinVar aggregate classification (germline): Pathogenic (1 of 4 stars; one submission).

Submission:

Labcorp Genetics (formerly Invitae), Labcorp
Classification: Pathogenic. Last evaluated: 2022-11-24. Review status: criteria provided, single submitter. Criteria: Invitae Variant Classification Sherloc (09022015). Collection method: clinical testing. Allele origin: germline.
Comment: This variant has not been reported in the literature in individuals affected with POLE-related conditions. This variant is not present in population databases (gnomAD no frequency). For these reasons, this variant has been classified as Pathogenic. This sequence change creates a premature translational stop signal (p.Glu591Glyfs*20) in the POLE gene. It is expected to result in an absent or disrupted protein product. Loss-of-function variants in POLE are known to be pathogenic (PMID: 23230001, 25948378, 30503519).

Literature cited by the submitters: PubMed 23230001; PubMed 25948378; PubMed 30503519.